The following is an entry in ClinVar:

NM_006158.5(NEFL):c.1357G>T (p.Glu453Ter)

Gene: NEFL (neurofilament light chain; minus strand). Cytogenetic location: 8p21.2.
Variant type: single nucleotide variant.
Coding change: c.1357G>T on transcript NM_006158.5 (MANE Select); coding-DNA position 1357, G replaced by T.
Protein change: p.Glu453Ter; replaces glutamic acid 453 with a stop codon.
Molecular consequence: nonsense.
Genome position (GRCh38, 1-based): chr8:24,953,608, C>A on the plus strand (G>T on the coding strand, the complement: NEFL is on the minus strand). VCF-style: chr8-24953608-C-A. GRCh37 (hg19) VCF-style: chr8-24811122-C-A.
Other names: short protein forms E453*.
Identifiers: ClinVar variation 3376740 (VCV003376740.1).
Genomic context (GRCh38, chr8:24,953,608, plus strand): 5'-CAGAGGGGGGCTCATCCTTGGCTTCCTCAGCCTTGGCAGCCTCAATGGTTTCCTCCACTT[C>A]GATCTGCTCCTCTTGGACATGGCTGGTGTAGTAGGACGGGAAGGAGCGGGTGGACATCAG-3'

ClinVar aggregate classification (germline): Pathogenic (1 of 4 stars; one submission).

Conditions:
Charcot-Marie-Tooth disease type 1F. Also called: CHARCOT-MARIE-TOOTH NEUROPATHY, TYPE 1F; Charcot-Marie-Tooth disease, demyelinating, type 1f. Identifiers: Orphanet 101085, MedGen C1843164, MONDO:0011902, OMIM 607734.

Submission:

Victorian Clinical Genetics Services, Murdoch Childrens Research Institute
Classification: Pathogenic for Charcot-Marie-Tooth disease type 1F. Last evaluated: 2020-05-21. Review status: criteria provided, single submitter. Criteria: ACMG Guidelines, 2015. Collection method: clinical testing. Allele origin: germline. Affected: yes.
Comment: Based on the classification scheme VCGS_Germline_v1.1.1, this variant is classified as Pathogenic. Following criteria are met: 0102 - Loss-of-function is a known mechanism of disease for this gene. Multiple NMD-predicted variants have previously been reported in this gene (ClinVar). (N) 0108 - This gene is known to be associated with both recessive and dominant disease. (N) 0201 - Variant is predicted to cause nonsense-mediated decay (NMD) and loss of protein (exon 3 of 4). (P) 0252 - Variant is homozygous. (N) 0301 - Variant is absent from gnomAD. (P) 0701 - Comparable variants have very strong previous evidence for pathogenicity. Multiple NMD-predicted variants have previously been reported pathogenic in clinical cases (ClinVar, PMID 29888333). (P) 0807 - Variant has not previously been reported in a clinical context. (N) 0905 - No segregation evidence has been identified for this variant. (N) 1007 - No published functional evidence has been identified for this variant. (N) 1208 - Inheritance information for this variant is not currently available. (N) Legend: (P) - Pathogenic, (N) - Neutral, (B) - Benign

Literature cited by the submitters: PubMed 29888333.